The following is an entry in ClinVar:

ClinVar aggregate classification (germline): Uncertain significance. Review status: criteria provided, multiple submitters, no conflicts (2 of 4 stars). 3 submissions from 3 submitters: Uncertain significance (3). Last evaluated 2023-07-12.

Conditions:
Primary dilated cardiomyopathy (DCM). Also called: Dilated Cardiomyopathy. Identifiers: Orphanet 217604, MedGen C0007193, MeSH D002311, MONDO:0005021, HP:0001644. Inheritance: Various modes of inheritance.

gnomAD v4.1: 2 of 1,613,948 alleles (0.00012%); highest among the groups gnomAD compares: African/African-American, 0.0027%; no homozygotes.

Submissions (3):

Labcorp Genetics (formerly Invitae), Labcorp
Classification: Uncertain significance for Primary dilated cardiomyopathy. Last evaluated: 2023-07-12. Review status: criteria provided, single submitter. Criteria: Invitae Variant Classification Sherloc (09022015). Collection method: clinical testing. Allele origin: germline.
Comment: In summary, the available evidence is currently insufficient to determine the role of this variant in disease. Therefore, it has been classified as a Variant of Uncertain Significance. An algorithm developed to predict the effect of missense changes on protein structure and function (PolyPhen-2) suggests that this variant is likely to be tolerated. ClinVar contains an entry for this variant (Variation ID: 180011). This variant has not been reported in the literature in individuals affected with NEBL-related conditions. This variant is not present in population databases (gnomAD no frequency). This sequence change replaces arginine, which is basic and polar, with serine, which is neutral and polar, at codon 833 of the NEBL protein (p.Arg833Ser).

Ambry Genetics
Classification: Uncertain significance. Last evaluated: 2023-06-30. Review status: criteria provided, single submitter. Criteria: Ambry Variant Classification Scheme 2023. Collection method: clinical testing. Allele origin: germline.

Laboratory for Molecular Medicine, Mass General Brigham Personalized Medicine
Classification: Uncertain significance. Last evaluated: 2014-10-06. Review status: criteria provided, single submitter. Criteria: LMM Criteria. Collection method: clinical testing. Allele origin: germline. Observed: 1 variant allele.

NM_006393.3(NEBL):c.2499G>T (p.Arg833Ser)

Gene: NEBL (nebulette; minus strand). Cytogenetic location: 10p12.31.
Variant type: single nucleotide variant.
Coding change: c.2499G>T on transcript NM_006393.3 (MANE Select); coding-DNA position 2499, G replaced by T.
Protein change: p.Arg833Ser; replaces arginine 833 with serine.
Molecular consequence: missense variant.
Genome position (GRCh38, 1-based): chr10:20,812,788, C>A on the plus strand (G>T on the coding strand, the complement: NEBL is on the minus strand). VCF-style: chr10-20812788-C-A. GRCh37 (hg19) VCF-style: chr10-21101717-C-A.
Other names: c.510G>T, p.Arg170Ser (NM_001173484.2, NM_001377322.1, NM_213569.2); c.462G>T, p.Arg154Ser (NM_001377323.1); c.453G>T, p.Arg151Ser (NM_001377324.1); c.444G>T, p.Arg148Ser (NM_001377325.1); c.402G>T, p.Arg134Ser (NM_001377326.1, NM_001377327.1, NM_001377328.1); short protein forms R170S, R833S, R134S, R148S, R154S, R151S.
Identifiers: ClinVar variation 180011 (VCV000180011.10), dbSNP rs727505285, ClinGen allele CA185629.
Genomic context (GRCh38, chr10:20,812,788, plus strand): 5'-TTTCGACCACACACACCGGCCGACAAACGCCGTCAGCTTACCAACAATGATTCCAGGTCT[C>A]CTGTCCATCTCCACGATGTGAGGGTGGACCCCTTTATAGGCAGCATCGCTGACCACCTGG-3'
Protein context (NP_006384.1, residues 823-843): GVHPHIVEMD[Arg833Ser]RPGIIVDLKV